The following is an entry in ClinVar:

ClinVar aggregate classification (germline): Conflicting classifications of pathogenicity. Review status: criteria provided, conflicting classifications (1 of 4 stars). 7 submissions from 7 submitters: Uncertain significance (4); Likely benign (2). 1 of the submissions does not count toward it. Last evaluated 2024-11-18.

Conditions:
Hereditary cancer-predisposing syndrome. Also called: Tumor predisposition; Hereditary neoplastic syndrome; Neoplastic Syndromes, Hereditary; Hereditary Cancer Syndrome. Identifiers: Orphanet 140162, MedGen C0027672, MeSH D009386, MONDO:0015356.
Xeroderma pigmentosum, group G (XPG). Also called: XERODERMA PIGMENTOSUM VII; XP, GROUP G; Xeroderma pigmentosum type 7; ERCC5-Related Xeroderma Pigmentosum. Identifiers: MedGen C0268141, MONDO:0010216, OMIM 278780.

Allele frequency attached by ClinVar (database versions not stated): 1000 Genomes Project 30x 0.00016; 1000 Genomes Project 0.00020; gnomAD 0.00063 and 0.00064; TOPMed 0.00066; gnomAD exomes 0.00068 and 0.00132; ESP Exome Variant Server 0.00069; ExAC 0.00071.
gnomAD v4.1: 2,001 of 1,614,188 alleles (0.12%); highest among the groups gnomAD compares: Non-Finnish European, 0.16%; 1 homozygote.

Submissions (7):

Blueprint Genetics
Classification: Likely benign. Last evaluated: 2024-11-18. Review status: criteria provided, single submitter. Criteria: ACMG Guidelines, 2015. Collection method: clinical testing. Allele origin: germline.

CeGaT Center for Human Genetics Tuebingen
Classification: Likely benign. Last evaluated: 2024-03-01. Review status: criteria provided, single submitter. Criteria: CeGaT Center For Human Genetics Tuebingen Variant Classification Criteria Version 2. Collection method: clinical testing. Allele origin: germline. Affected: yes. Observed: 2 variant alleles.
Comment: ERCC5: BP4

Institute for Clinical Genetics, University Hospital TU Dresden, University Hospital TU Dresden
Classification: Uncertain significance. Last evaluated: 2021-11-03. Review status: criteria provided, single submitter. Criteria: ACMG Guidelines, 2015. Collection method: clinical testing. Allele origin: germline.

Sema4
Classification: Uncertain significance for Hereditary cancer-predisposing syndrome. Last evaluated: 2021-09-18. Review status: criteria provided, single submitter. Criteria: Sema4 Curation Guidelines. Collection method: curation. Allele origin: germline.
Comment: To the best of our knowledge, the ERCC5 c.3106G>A (p.A1036T) variant has not been reported in individuals with ERCC5-related disease. This variant was observed in 14/10370 chromosomes in the Ashkenazi Jewish subpopulation, with no homozygotes, according to the Genome Aggregation Database (PMID: 32461654), and has been reported in ClinVar (Variation ID: 134171). In silico tools suggest the impact of the variant on protein function is benign, though these predictions have not been confirmed by functional studies. Based on the current evidence available, this variant is interpreted as a variant of uncertain significance.

Ambry Genetics
Classification: Uncertain significance. Last evaluated: 2021-09-17. Review status: criteria provided, single submitter. Criteria: Ambry Variant Classification Scheme 2023. Collection method: clinical testing. Allele origin: germline.

Illumina Laboratory Services, Illumina
Classification: Uncertain significance for Xeroderma pigmentosum, group G. Last evaluated: 2018-01-13. Review status: criteria provided, single submitter. Criteria: ICSL Variant Classification Criteria 13 December 2019. Collection method: clinical testing. Allele origin: germline.

ITMI
No classification provided. Condition: AllHighlyPenetrant. Last evaluated: 2013-09-19. Review status: no classification provided. Collection method: reference population. Allele origin: germline. Not counted in ClinVar's aggregate classification.
Comment: Please see associated publication for description of ethnicities

Literature cited by the submitters: PubMed 24728327 (cited by ITMI).

NM_000123.4(ERCC5):c.3106G>A (p.Ala1036Thr)

Genes: BIVM-ERCC5 (BIVM-ERCC5 readthrough; plus strand), ERCC5 (ERCC excision repair 5, endonuclease; plus strand). Cytogenetic location: 13q33.1.
Variant type: single nucleotide variant.
Coding change: c.3106G>A on transcript NM_000123.4 (MANE Select); coding-DNA position 3106, G replaced by A.
Protein change: p.Ala1036Thr; replaces alanine 1036 with threonine.
Molecular consequence: missense variant.
Genome position (GRCh38, 1-based): chr13:102,875,448, G>A. VCF-style: chr13-102875448-G-A. GRCh37 (hg19) VCF-style: chr13-103527798-G-A.
Other names: c.4468G>A, p.Ala1490Thr (NM_001204425.2); short protein forms A1036T, A1490T.
Identifiers: ClinVar variation 134171 (VCV000134171.52), dbSNP rs144208043, ClinGen allele CA158986.